The following is an entry in ClinVar:

ClinVar aggregate classification (germline): Uncertain significance (1 of 4 stars; one submission).

Submission:

GeneDx
Classification: Uncertain significance. Last evaluated: 2025-05-30. Review status: criteria provided, single submitter. Criteria: GeneDx Variant Classification Process June 2021. Collection method: clinical testing. Allele origin: germline. Affected: yes.
Comment: Not observed at significant frequency in large population cohorts (gnomAD); In silico analysis suggests that this missense variant does not alter protein structure/function; Has not been previously published as pathogenic or benign to our knowledge

NM_001393769.1(MED12L):c.55C>A (p.Leu19Ile)

Gene: MED12L (mediator complex subunit 12L; plus strand). Cytogenetic location: 3q25.1.
Variant type: single nucleotide variant.
Coding change: c.55C>A on transcript NM_001393769.1 (MANE Select); coding-DNA position 55, C replaced by A.
Protein change: p.Leu19Ile; replaces leucine 19 with isoleucine.
Molecular consequence: missense variant.
Genome position (GRCh38, 1-based): chr3:151,086,981, C>A. VCF-style: chr3-151086981-C-A. GRCh37 (hg19) VCF-style: chr3-150804768-C-A.
Other names: c.55C>A, p.Leu19Ile (NM_053002.6); short protein forms L19I.
Identifiers: ClinVar variation 4532311 (VCV004532311.1).
Genomic context (GRCh38, chr3:151,086,981, plus strand): 5'-GAGATCATGGCCGCCTTCGGGCTTCTCAGCTATGAGCAGAGACCGCTGAAGCGCCCCCGG[C>A]TCGGGCCGCCCGACGTCTACCCACAGGACCCCAAGCAGAAGGAGGTAAGGGCGCCGGCGG-3'
Protein context (NP_001380698.1, residues 9-29): YEQRPLKRPR[Leu19Ile]GPPDVYPQDP